The following is an entry in ClinVar:

ClinVar aggregate classification (germline): Uncertain significance. Review status: criteria provided, multiple submitters, no conflicts (2 of 4 stars). 3 submissions from 3 submitters: Uncertain significance (3). Last evaluated 2025-07-02.

Conditions:
Ehlers-Danlos syndrome, musculocontractural type 2 (EDSMC2). Identifiers: Orphanet 2953, MedGen C3809845, MONDO:0014236, OMIM 615539.
Inborn genetic diseases. Identifiers: MedGen C0950123, MeSH D030342.

Allele frequency attached by ClinVar (database versions not stated): gnomAD 0.00001; TOPMed 0.00003; ExAC 0.00001.
gnomAD v4.1: 5 of 1,613,998 alleles (0.00031%); highest among the groups gnomAD compares: African/African-American, 0.0013%; no homozygotes.

Submissions (3):

Ambry Genetics
Classification: Uncertain significance for Inborn genetic diseases. Last evaluated: 2025-07-02. Review status: criteria provided, single submitter. Criteria: Ambry Variant Classification Scheme 2023. Collection method: clinical testing. Allele origin: germline.

Women's Health and Genetics/Laboratory Corporation of America, LabCorp
Classification: Uncertain significance. Last evaluated: 2025-05-12. Review status: criteria provided, single submitter. Criteria: LabCorp Variant Classification Summary - May 2015. Collection method: clinical testing. Allele origin: germline.
Comment: Variant summary: DSE c.1834G>A (p.Gly612Ser) results in a non-conservative amino acid change in the encoded protein sequence. Algorithms developed to predict the effect of missense changes on protein structure and function are either unavailable or do not agree on the potential impact of this missense change. The variant allele was found at a frequency of 8e-06 in 251374 control chromosomes. The available data on variant occurrences in the general population are insufficient to allow any conclusion about variant significance. To our knowledge, no occurrence of c.1834G>A in individuals affected with Ehlers-Danlos syndrome, musculocontractural type 2 and no experimental evidence demonstrating its impact on protein function have been reported. ClinVar contains an entry for this variant (Variation ID: 2169759). Based on the evidence outlined above, the variant was classified as uncertain significance.

Labcorp Genetics (formerly Invitae), Labcorp
Classification: Uncertain significance for Ehlers-Danlos syndrome, musculocontractural type 2. Last evaluated: 2022-01-06. Review status: criteria provided, single submitter. Criteria: Invitae Variant Classification Sherloc (09022015). Collection method: clinical testing. Allele origin: germline.
Comment: This sequence change replaces glycine, which is neutral and non-polar, with serine, which is neutral and polar, at codon 612 of the DSE protein (p.Gly612Ser). This variant is present in population databases (rs745854227, gnomAD 0.004%). This variant has not been reported in the literature in individuals affected with DSE-related conditions. Algorithms developed to predict the effect of missense changes on protein structure and function are either unavailable or do not agree on the potential impact of this missense change (SIFT: "Not Available"; PolyPhen-2: "Benign"; Align-GVGD: "Not Available"). In summary, the available evidence is currently insufficient to determine the role of this variant in disease. Therefore, it has been classified as a Variant of Uncertain Significance.

NM_013352.4(DSE):c.1834G>A (p.Gly612Ser)

Gene: DSE (dermatan sulfate epimerase; plus strand). Cytogenetic location: 6q22.1.
Variant type: single nucleotide variant.
Coding change: c.1834G>A on transcript NM_013352.4 (MANE Select); coding-DNA position 1834, G replaced by A.
Protein change: p.Gly612Ser; replaces glycine 612 with serine.
Molecular consequence: missense variant. On other transcripts: 3 prime UTR variant (2), non-coding transcript variant (1).
Genome position (GRCh38, 1-based): chr6:116,436,302, G>A. VCF-style: chr6-116436302-G-A. GRCh37 (hg19) VCF-style: chr6-116757465-G-A.
Other names: c.1834G>A (NM_013352.2); c.1834G>A, p.Gly612Ser (NM_001080976.3, NM_001322937.2, NM_001322938.2); c.1891G>A, p.Gly631Ser (NM_001322939.2); c.1273G>A, p.Gly425Ser (NM_001322940.2, NM_001322941.2); c.*699G>A (NM_001322943.2, NM_001322944.2); c.835G>A, p.Gly279Ser (NM_001374520.1); c.799G>A, p.Gly267Ser (NM_001374521.1); short protein forms G267S, G279S, G631S, G425S, G612S.
Identifiers: ClinVar variation 2169759 (VCV002169759.3), dbSNP rs745854227, ClinGen allele CA3969715.